The following is an entry in ClinVar:

NM_000264.5(PTCH1):c.2862del (p.Tyr955fs)

Gene: PTCH1 (patched 1; minus strand). Cytogenetic location: 9q22.32.
Variant type: Deletion.
Coding change: c.2862del on transcript NM_000264.5 (MANE Select); coding-DNA position 2862, one base deleted (C; older notation c.2862delC).
Protein change: p.Tyr955fs; shifts the reading frame from tyrosine 955.
Molecular consequence: frameshift variant. On other transcripts: non-coding transcript variant (1).
Genome position (GRCh38, 1-based): chr9:95,459,625, G deleted on the plus strand (C on the coding strand, the reverse complement: PTCH1 is on the minus strand). VCF-style (leftmost placement, unchanged base first): chr9-95459624-AG-A. GRCh37 (hg19) VCF-style: chr9-98221906-AG-A.
Other names: c.2664del, p.Tyr889fs (NM_001083602.3); c.2859del, p.Tyr954fs (NM_001083603.3); c.2409del, p.Tyr804fs (NM_001083604.3, NM_001083605.3, NM_001083606.3 and 1 more transcripts); c.2706del, p.Tyr903fs (NM_001354918.2); short protein forms Y889fs, Y954fs, Y804fs, Y903fs, Y955fs.
Identifiers: ClinVar variation 3663778 (VCV003663778.2).

ClinVar aggregate classification (germline): Pathogenic (1 of 4 stars; one submission).

Conditions:
Gorlin syndrome. Also called: Nevoid Basal Cell Carcinoma Syndrome; Basal cell nevus syndrome. Identifiers: Orphanet 377, MedGen C0004779, MONDO:0007187.

Submission:

Labcorp Genetics (formerly Invitae), Labcorp
Classification: Pathogenic for Gorlin syndrome. Last evaluated: 2024-09-06. Review status: criteria provided, single submitter. Criteria: Invitae Variant Classification Sherloc (09022015). Collection method: clinical testing. Allele origin: germline.
Comment: This sequence change creates a premature translational stop signal (p.Tyr955Thrfs*7) in the PTCH1 gene. It is expected to result in an absent or disrupted protein product. Loss-of-function variants in PTCH1 are known to be pathogenic (PMID: 16301862, 16419085). This variant is not present in population databases (gnomAD no frequency). This variant has not been reported in the literature in individuals affected with PTCH1-related conditions. For these reasons, this variant has been classified as Pathogenic.

Literature cited by the submitters: PubMed 16301862; PubMed 16419085.